The following is an entry in ClinVar:

NM_000111.3(SLC26A3):c.392C>T (p.Pro131Leu)

Gene: SLC26A3 (solute carrier family 26 member 3; minus strand). Cytogenetic location: 7q22.3.
Variant type: single nucleotide variant.
Coding change: c.392C>T on transcript NM_000111.3 (MANE Select); coding-DNA position 392, C replaced by T.
Protein change: p.Pro131Leu; replaces proline 131 with leucine.
Molecular consequence: missense variant.
Genome position (GRCh38, 1-based): chr7:107,791,226, G>A on the plus strand (C>T on the coding strand, the complement: SLC26A3 is on the minus strand). VCF-style: chr7-107791226-G-A. GRCh37 (hg19) VCF-style: chr7-107431671-G-A.
Other names: short protein forms P131L.
Identifiers: ClinVar variation 56000 (VCV000056000.10), dbSNP rs386833481, ClinGen allele CA144099.

ClinVar aggregate classification (germline): Pathogenic/Likely pathogenic. Review status: criteria provided, multiple submitters, no conflicts (2 of 4 stars). 5 submissions from 5 submitters: Pathogenic (3); Likely pathogenic (1). 1 of the submissions does not count toward it. Last evaluated 2024-08-26.

Conditions:
Congenital secretory diarrhea, chloride type (DIAR1). Also called: DIARRHEA 1, SECRETORY CHLORIDE, CONGENITAL; CHLORIDORRHEA, CONGENITAL; CHLORIDE DIARRHEA, CONGENITAL, FINNISH TYPE. Identifiers: Orphanet 53689, MedGen C0267662, MONDO:0008964, OMIM 214700.

Allele frequency attached by ClinVar (database versions not stated): TOPMed below 0.00001.
gnomAD v4.1: 16 of 1,614,160 alleles (0.00099%); highest among the groups gnomAD compares: East Asian, 0.0022%; no homozygotes.

Submissions (5):

Women's Health and Genetics/Laboratory Corporation of America, LabCorp
Classification: Likely pathogenic for Congenital secretory diarrhea, chloride type. Last evaluated: 2024-08-26. Review status: criteria provided, single submitter. Criteria: LabCorp Variant Classification Summary - May 2015. Collection method: clinical testing. Allele origin: germline.
Comment: Variant summary: SLC26A3 c.392C>T (p.Pro131Leu) results in a non-conservative amino acid change located in the SLC26A/SulP transporter domain (IPR011547) of the encoded protein sequence. Five of five in-silico tools predict a damaging effect of the variant on protein function. The variant allele was found at a frequency of 1.2e-05 in 251430 control chromosomes, predominantly at a frequency of 2.6e-05 within the Non-Finnish European subpopulation in the gnomAD database. c.392C>T has been reported in the literature in individuals affected with Congenital secretory diarrhea (example, Hong_2012, Fuwa_2015, Wedenoja_2011). These data indicate that the variant may be associated with disease. At-least one missense at Pro131 has been associated with disease in ClinVar (c.392C>G p.Pro131Arg: PATH/ClinVar, PMID 31114672). To our knowledge, no experimental evidence demonstrating an impact on protein function has been reported. The following publications have been ascertained in the context of this evaluation (PMID: 31589614, 25711268, 23274434, 21394828). ClinVar contains an entry for this variant (Variation ID: 56000). Based on the evidence outlined above, the variant was classified as likely pathogenic.

Labcorp Genetics (formerly Invitae), Labcorp
Classification: Pathogenic. Last evaluated: 2023-08-18. Review status: criteria provided, single submitter. Criteria: Invitae Variant Classification Sherloc (09022015). Collection method: clinical testing. Allele origin: germline.
Comment: For these reasons, this variant has been classified as Pathogenic. Algorithms developed to predict the effect of sequence changes on RNA splicing suggest that this variant may create or strengthen a splice site. Advanced modeling of protein sequence and biophysical properties (such as structural, functional, and spatial information, amino acid conservation, physicochemical variation, residue mobility, and thermodynamic stability) performed at Invitae indicates that this missense variant is expected to disrupt SLC26A3 protein function. ClinVar contains an entry for this variant (Variation ID: 56000). This missense change has been observed in individual(s) with congenital secretory chloride diarrhea (PMID: 23274434, 25711268). In at least one individual the data is consistent with being in trans (on the opposite chromosome) from a pathogenic variant. This variant is present in population databases (rs386833481, gnomAD 0.003%). This sequence change replaces proline, which is neutral and non-polar, with leucine, which is neutral and non-polar, at codon 131 of the SLC26A3 protein (p.Pro131Leu).

Juno Genomics, Hangzhou Juno Genomics, Inc
Classification: Pathogenic for Congenital secretory diarrhea, chloride type. Review status: criteria provided, single submitter. Criteria: ACMG Guidelines, 2015. Collection method: clinical testing. Allele origin: germline.
Comment: Absent from controls (or at extremely low frequency if recessive) in Genome Aggregation Database.;Multiple lines of computational evidence support a deleterious effect on the gene or gene product.;For recessive disorders, detected in trans with a pathogenic variant.;Co-segregation with disease in multiple affected family members.

Lifecell International Pvt. Ltd
Classification: Pathogenic for Congenital secretory diarrhea, chloride type. Review status: criteria provided, single submitter. Criteria: ACMG Guidelines, 2015. Collection method: clinical testing. Allele origin: germline. Inheritance: Autosomal recessive inheritance. Affected: yes. Observed: 1 homozygote.
Comment: A Homozygote Missense variant c.392C>T in Exon 5 of the SLC26A3 gene that results in the amino acid substitution p.Pro131Leu was identified. The observed variant has a minor allele frequency of 0.00001% in gnomAD exomes, respectively. The severity of the impact of this variant on the protein is high, based on the effect of the protein and REVEL score . Rare Exome Variant Ensemble Learner (REVEL) is an ensembl method for predicting the pathogenicity of missense variants based on a combination of scores from 13 individual tools: MutPred, FATHMM v2.3, VEST 3.0, PolyPhen-2, SIFT, PROVEAN, MutationAssessor, MutationTaster, LRT, GERP++, SiPhy, phyloP, and phastCons. The REVEL score for an individual missense variant can range from 0 to 1, with higher scores reflecting greater likelihood that the variant is disease-causing. ClinVar has also classified this variant as Likely Pathogenic (variant ID: 56000). This variant was reported among the patients for Congenital chloride diarrhea (Wedenoja S et al., 2011). Based on the above evidence this variant has been classified as Pathogenic according to the ACMG guidelines.

Juha Muilu Group; Institute for Molecular Medicine Finland (FIMM)
Classification: Likely pathogenic for Congenital secretory diarrhea, chloride type. Review status: no assertion criteria provided. Collection method: not provided. Allele origin: unknown. Not counted in ClinVar's aggregate classification.
Comment: FinDis database variant: This variant was not found or characterized by our laboratory, data were collected from public sources: see reference
ClinVar note: Converted during submission from probable-pathogenic to Likely pathogenic.

Literature cited by the submitters: PubMed 31589614 (cited by Women's Health and Genetics/Laboratory Corporation of America, LabCorp); PubMed 21394828 (cited by Women's Health and Genetics/Laboratory Corporation of America, LabCorp and Lifecell International Pvt. Ltd); PubMed 25711268 (cited by Women's Health and Genetics/Laboratory Corporation of America, LabCorp and Labcorp Genetics (formerly Invitae), Labcorp); PubMed 23274434 (cited by Women's Health and Genetics/Laboratory Corporation of America, LabCorp and Labcorp Genetics (formerly Invitae), Labcorp).